The following is an entry in ClinVar:

NM_002473.6(MYH9):c.*596G>A

Gene: MYH9 (myosin heavy chain 9; minus strand). Cytogenetic location: 22q12.3.
Variant type: single nucleotide variant.
Coding change: c.*596G>A on transcript NM_002473.6 (MANE Select); 596 bases downstream of the stop codon, G replaced by A.
Molecular consequence: 3 prime UTR variant.
Genome position (GRCh38, 1-based): chr22:36,282,072, C>T on the plus strand (G>A on the coding strand, the complement: MYH9 is on the minus strand). VCF-style: chr22-36282072-C-T. GRCh37 (hg19) VCF-style: chr22-36678118-C-T.
Identifiers: ClinVar variation 341475 (VCV000341475.7), dbSNP rs136200, ClinGen allele CA10645433.

ClinVar aggregate classification (germline): Benign. Review status: criteria provided, multiple submitters, no conflicts (2 of 4 stars). 4 submissions from 3 submitters: Benign (4). Last evaluated 2021-05-13.

Conditions:
Autosomal dominant nonsyndromic hearing loss 17. Also called: Autosomal dominant nonsyndromic deafness 17; Deafness, autosomal dominant 17. Identifiers: Orphanet 90635, MedGen C1863659, MONDO:0011350, OMIM 603622.
MYH9-related disorder. Identifiers: MedGen C1854520.

Allele frequency attached by ClinVar (database versions not stated): 1000 Genomes Project 0.22025; 1000 Genomes Project 30x 0.22361; TOPMed 0.31934; gnomAD 0.32347 and 0.32779; gnomAD exomes 0.37386.
gnomAD v4.1: 80,926 of 236,098 alleles (34%); highest among the groups gnomAD compares: Non-Finnish European, 45%; 16,772 homozygotes.

Submissions (4):

GeneDx
Classification: Benign. Last evaluated: 2021-05-13. Review status: criteria provided, single submitter. Criteria: GeneDx Variant Classification Process June 2021. Collection method: clinical testing. Allele origin: germline. Affected: yes.

Illumina Laboratory Services, Illumina
Classification: Benign for MYH9-related disorder. Last evaluated: 2018-01-12. Review status: criteria provided, single submitter. Criteria: ICSL Variant Classification Criteria 13 December 2019. Collection method: clinical testing. Allele origin: germline.
Comment: This variant was observed in the ICSL laboratory as part of a predisposition screen in an ostensibly healthy population. It had not been previously curated by ICSL or reported in the Human Gene Mutation Database (HGMD: prior to June 1st, 2018), and was therefore a candidate for classification through an automated scoring system. Utilizing variant allele frequency, disease prevalence and penetrance estimates, and inheritance mode, an automated score was calculated to assess if this variant is too frequent to cause the disease. Based on the score and internal cut-off values, a variant classified as benign is not then subjected to further curation. The score for this variant resulted in a classification of benign for this disease.

Illumina Laboratory Services, Illumina
Classification: Benign for Autosomal dominant nonsyndromic hearing loss 17. Last evaluated: 2018-01-12. Review status: criteria provided, single submitter. Criteria: ICSL Variant Classification Criteria 13 December 2019. Collection method: clinical testing. Allele origin: germline.
Comment: the same text as in the submission from Illumina Laboratory Services, Illumina above.

Breakthrough Genomics
Classification: Benign. Review status: criteria provided, single submitter. Criteria: ACMG Guidelines, 2015. Collection method: not provided. Allele origin: germline. Inheritance: Autosomal dominant inheritance. Affected: yes.